The following is an entry in ClinVar:

NM_207122.2(EXT2):c.200C>T (p.Pro67Leu)

Gene: EXT2 (exostosin glycosyltransferase 2; plus strand). Cytogenetic location: 11p11.2.
Variant type: single nucleotide variant.
Coding change: c.200C>T on transcript NM_207122.2 (MANE Select); coding-DNA position 200, C replaced by T.
Protein change: p.Pro67Leu; replaces proline 67 with leucine.
Molecular consequence: missense variant.
Genome position (GRCh38, 1-based): chr11:44,107,912, C>T. VCF-style: chr11-44107912-C-T. GRCh37 (hg19) VCF-style: chr11-44129462-C-T.
Other names: c.299C>T, p.Pro100Leu (NM_000401.3); c.200C>T, p.Pro67Leu (NM_001178083.3, NM_001389628.1, NM_001389630.1); short protein forms P100L, P67L.
Identifiers: ClinVar variation 2140328 (VCV002140328.8), dbSNP rs748292026, ClinGen allele CA5954838.

ClinVar aggregate classification (germline): Uncertain significance. Review status: criteria provided, multiple submitters, no conflicts (2 of 4 stars). 3 submissions from 3 submitters: Uncertain significance (3). Last evaluated 2025-09-10.

Conditions:
Inborn genetic diseases. Identifiers: MedGen C0950123, MeSH D030342.
Exostoses, multiple, type 2 (EXT2). Also called: Hereditary Multiple Osteochondromatosis, Type II; EXOSTOSES, MULTIPLE, TYPE II. Identifiers: Orphanet 321, MedGen C1851413, MONDO:0007586, OMIM 133701.

Allele frequency attached by ClinVar (database versions not stated): ExAC 0.00001; TOPMed 0.00001; gnomAD 0.00003; gnomAD exomes 0.00003; 1000 Genomes Project 30x 0.00016.
gnomAD v4.1: 44 of 1,614,160 alleles (0.0027%); highest among the groups gnomAD compares: Non-Finnish European, 0.0033%; no homozygotes.

Submissions (3):

Ambry Genetics
Classification: Uncertain significance for Inborn genetic diseases. Last evaluated: 2025-09-10. Review status: criteria provided, single submitter. Criteria: Ambry Variant Classification Scheme 2023. Collection method: clinical testing. Allele origin: germline.

Labcorp Genetics (formerly Invitae), Labcorp
Classification: Uncertain significance for Exostoses, multiple, type 2. Last evaluated: 2025-09-04. Review status: criteria provided, single submitter. Criteria: Invitae Variant Classification Sherloc (09022015). Collection method: clinical testing. Allele origin: germline.
Comment: This sequence change replaces proline, which is neutral and non-polar, with leucine, which is neutral and non-polar, at codon 67 of the EXT2 protein (p.Pro67Leu). This variant is present in population databases (rs748292026, gnomAD 0.006%). This variant has not been reported in the literature in individuals affected with EXT2-related conditions. ClinVar contains an entry for this variant (Variation ID: 2140328). Invitae Evidence Modeling of protein sequence and biophysical properties (such as structural, functional, and spatial information, amino acid conservation, physicochemical variation, residue mobility, and thermodynamic stability) indicates that this missense variant is not expected to disrupt EXT2 protein function with a negative predictive value of 95%. In summary, the available evidence is currently insufficient to determine the role of this variant in disease. Therefore, it has been classified as a Variant of Uncertain Significance.

Baylor Genetics
Classification: Uncertain significance for Exostoses, multiple, type 2. Last evaluated: 2023-05-26. Review status: criteria provided, single submitter. Criteria: ACMG Guidelines, 2015. Collection method: clinical testing. Allele origin: unknown.